The following is an entry in ClinVar:

NM_006790.3(MYOT):c.1168C>T (p.Gln390Ter)

Genes: PKD2L2-DT (PKD2L2 divergent transcript; minus strand), MYOT (myotilin; plus strand). Cytogenetic location: 5q31.2.
Variant type: single nucleotide variant.
Coding change: c.1168C>T on transcript NM_006790.3 (MANE Select); coding-DNA position 1168, C replaced by T.
Protein change: p.Gln390Ter; replaces glutamine 390 with a stop codon.
Molecular consequence: nonsense.
Genome position (GRCh38, 1-based): chr5:137,886,191, C>T. VCF-style: chr5-137886191-C-T. GRCh37 (hg19) VCF-style: chr5-137221880-C-T.
Other names: c.616C>T, p.Gln206Ter (NM_001135940.2); c.823C>T, p.Gln275Ter (NM_001300911.2); short protein forms Q275*, Q390*, Q206*.
Identifiers: ClinVar variation 1904307 (VCV001904307.5), dbSNP rs994793400, ClinGen allele CA361056307.

ClinVar aggregate classification (germline): Uncertain significance (1 of 4 stars; one submission).

Conditions:
Myofibrillar myopathy 3 (MFM3). Also called: Muscular dystrophy, proximal, type 1A; Autosomal dominant spheroid body myopathy. Identifiers: Orphanet 266, Orphanet 268129, MedGen C3714934, MONDO:0012215, OMIM 609200.

Allele frequency attached by ClinVar (database versions not stated): TOPMed below 0.00001.

Submission:

Labcorp Genetics (formerly Invitae), Labcorp
Classification: Uncertain significance for Myofibrillar myopathy 3. Last evaluated: 2025-02-13. Review status: criteria provided, single submitter. Criteria: Invitae Variant Classification Sherloc (09022015). Collection method: clinical testing. Allele origin: germline.
Comment: This sequence change creates a premature translational stop signal (p.Gln390*) in the MYOT gene. It is expected to result in an absent or disrupted protein product. However, the current clinical and genetic evidence is not sufficient to establish whether loss-of-function variants in MYOT cause disease. This variant is not present in population databases (gnomAD no frequency). This variant has not been reported in the literature in individuals affected with MYOT-related conditions. ClinVar contains an entry for this variant (Variation ID: 1904307). Algorithms developed to predict the effect of sequence changes on RNA splicing suggest that this variant may disrupt the consensus splice site. In summary, the available evidence is currently insufficient to determine the role of this variant in disease. Therefore, it has been classified as a Variant of Uncertain Significance.